The following is an entry in ClinVar:

NM_177986.5(DSG4):c.2777A>G (p.Asp926Gly)

Genes: DSG1-AS1 (DSG1 antisense RNA 1; minus strand), DSG4 (desmoglein 4; plus strand). Cytogenetic location: 18q12.1.
Variant type: single nucleotide variant.
Coding change: c.2777A>G on transcript NM_177986.5 (MANE Select); coding-DNA position 2777, A replaced by G.
Protein change: p.Asp926Gly; replaces aspartic acid 926 with glycine.
Molecular consequence: missense variant.
Genome position (GRCh38, 1-based): chr18:31,413,249, A>G. VCF-style: chr18-31413249-A-G. GRCh37 (hg19) VCF-style: chr18-28993212-A-G.
Other names: c.2834A>G, p.Asp945Gly (NM_001134453.3); short protein forms D926G, D945G.
Identifiers: ClinVar variation 326453 (VCV000326453.21), dbSNP rs150706241, ClinGen allele CA8927406.

ClinVar aggregate classification (germline): Conflicting classifications of pathogenicity. Review status: criteria provided, conflicting classifications (1 of 4 stars). 5 submissions from 5 submitters: Uncertain significance (2); Likely benign (2). 1 of the submissions does not count toward it. Last evaluated 2025-12-10.

Conditions:
DSG4-related disorder. Also called: DSG4-related condition.
Hypotrichosis 6 (HYPT6). Also called: MONILETHRIX-LIKE HYPOTRICHOSIS; HYPOTRICHOSIS, LOCALIZED, AUTOSOMAL RECESSIVE 1. Identifiers: Orphanet 55654, MedGen C1842839, MONDO:0011932, OMIM 607903.

Allele frequency attached by ClinVar (database versions not stated): TOPMed 0.00108; ExAC 0.00126; gnomAD exomes 0.00134 and 0.00168; ESP Exome Variant Server 0.00161; gnomAD 0.00173 and 0.00185.
gnomAD v4.1: 2,702 of 1,614,044 alleles (0.17%); highest among the groups gnomAD compares: Non-Finnish European, 0.19%; 4 homozygotes.

Submissions (5):

Labcorp Genetics (formerly Invitae), Labcorp
Classification: Likely benign. Last evaluated: 2025-12-10. Review status: criteria provided, single submitter. Criteria: Invitae Variant Classification Sherloc (09022015). Collection method: clinical testing. Allele origin: germline.

CeGaT Center for Human Genetics Tuebingen
Classification: Likely benign. Last evaluated: 2025-11-01. Review status: criteria provided, single submitter. Criteria: CeGaT Center For Human Genetics Tuebingen Variant Classification Criteria Version 2. Collection method: clinical testing. Allele origin: germline. Affected: yes. Observed: 1 variant allele.
Comment: DSG4: BS2

GeneDx
Classification: Uncertain significance. Last evaluated: 2025-05-08. Review status: criteria provided, single submitter. Criteria: GeneDx Variant Classification Process June 2021. Collection method: clinical testing. Allele origin: germline. Affected: yes.
Comment: In silico analysis supports that this missense variant has a deleterious effect on protein structure/function; Has not been previously published as pathogenic or benign to our knowledge

Illumina Laboratory Services, Illumina
Classification: Uncertain significance for Hypotrichosis 6. Last evaluated: 2018-01-13. Review status: criteria provided, single submitter. Criteria: ICSL Variant Classification Criteria 13 December 2019. Collection method: clinical testing. Allele origin: germline.

PreventionGenetics, part of Exact Sciences
Classification: Likely benign for DSG4-related condition. Last evaluated: 2023-06-02. Review status: no assertion criteria provided. Collection method: clinical testing. Allele origin: germline. Not counted in ClinVar's aggregate classification.
Comment: This variant is classified as likely benign based on ACMG/AMP sequence variant interpretation guidelines (Richards et al. 2015 PMID: 25741868, with internal and published modifications).